The following is an entry in ClinVar:

ClinVar aggregate classification (germline): Uncertain significance (1 of 4 stars; one submission).

Conditions:
Ullrich congenital muscular dystrophy 2 (UCMD2). Identifiers: Orphanet 75840, MedGen C4225314, MONDO:0014654, OMIM 616470.
Bethlem myopathy 2 (BTHLM2). Identifiers: Orphanet 536516, Orphanet 610, MedGen C4225313, MONDO:0034022, OMIM 616471.

gnomAD v4.1: 2 of 1,613,770 alleles (0.00012%); highest among the groups gnomAD compares: African/African-American, 0.0013%; no homozygotes.

Submission:

Labcorp Genetics (formerly Invitae), Labcorp
Classification: Uncertain significance for Bethlem myopathy 2; Ullrich congenital muscular dystrophy 2. Last evaluated: 2022-06-04. Review status: criteria provided, single submitter. Criteria: Invitae Variant Classification Sherloc (09022015). Collection method: clinical testing. Allele origin: germline.
Comment: Algorithms developed to predict the effect of missense changes on protein structure and function are either unavailable or do not agree on the potential impact of this missense change (SIFT: "Deleterious"; PolyPhen-2: "Probably Damaging"; Align-GVGD: "Class C15"). In summary, the available evidence is currently insufficient to determine the role of this variant in disease. Therefore, it has been classified as a Variant of Uncertain Significance. ClinVar contains an entry for this variant (Variation ID: 947146). This variant has not been reported in the literature in individuals affected with COL12A1-related conditions. This variant is not present in population databases (gnomAD no frequency). This sequence change replaces lysine, which is basic and polar, with asparagine, which is neutral and polar, at codon 2405 of the COL12A1 protein (p.Lys2405Asn).

NM_004370.6(COL12A1):c.7215G>C (p.Lys2405Asn)

Genes: COL12A1 (collagen type XII alpha 1 chain; minus strand), LOC126859712 (MED14-independent group 3 enhancer GRCh37_chr6:75828643-75829842; plus strand). Cytogenetic location: 6q13.
Variant type: single nucleotide variant.
Coding change: c.7215G>C on transcript NM_004370.6 (MANE Select); coding-DNA position 7215, G replaced by C.
Protein change: p.Lys2405Asn; replaces lysine 2405 with asparagine.
Molecular consequence: missense variant.
Genome position (GRCh38, 1-based): chr6:75,119,182, C>G on the plus strand (G>C on the coding strand, the complement: COL12A1 is on the minus strand). VCF-style: chr6-75119182-C-G. GRCh37 (hg19) VCF-style: chr6-75828898-C-G.
Other names: c.3723G>C, p.Lys1241Asn (NM_080645.3); short protein forms K2405N, K1241N.
Identifiers: ClinVar variation 947146 (VCV000947146.10), dbSNP rs568748031, ClinGen allele CA364748207.